The following is an entry in ClinVar:

NC_000023.10:g.(?_77126285)_(77126442_?)del

Gene: MAGT1 (magnesium transporter 1; minus strand). Cytogenetic location: Xq21.1.
Variant type: Deletion.
Identifiers: ClinVar variation 3245416 (VCV003245416.1).

ClinVar aggregate classification (germline): Pathogenic (1 of 4 stars; one submission).

Conditions:
X-linked immunodeficiency with magnesium defect, Epstein-Barr virus infection and neoplasia. Identifiers: Orphanet 317476, MedGen C3275445, MONDO:0010455, OMIM 300853.

Submission:

Labcorp Genetics (formerly Invitae), Labcorp
Classification: Pathogenic for X-linked immunodeficiency with magnesium defect, Epstein-Barr virus infection and neoplasia. Last evaluated: 2023-09-05. Review status: criteria provided, single submitter. Criteria: Invitae Variant Classification Sherloc (09022015). Collection method: clinical testing. Allele origin: unknown.
Comment: This variant is a gross deletion of the genomic region encompassing exon(s) 3 of the MAGT1 gene. This deletion is out-of-frame, and is expected to create a premature termination codon and result in an absent or disrupted protein product. Loss-of-function variants in MAGT1 are known to be pathogenic (PMID: 24550228). This variant has not been reported in the literature in individuals affected with MAGT1-related conditions. For these reasons, this variant has been classified as Pathogenic.

Literature cited by the submitters: PubMed 24550228.